The following is an entry in ClinVar:

NM_000329.3(RPE65):c.366C>A (p.Tyr122Ter)

Gene: RPE65 (retinoid isomerohydrolase RPE65; minus strand). Cytogenetic location: 1p31.3.
Variant type: single nucleotide variant.
Coding change: c.366C>A on transcript NM_000329.3 (MANE Select); coding-DNA position 366, C replaced by A.
Protein change: p.Tyr122Ter; replaces tyrosine 122 with a stop codon.
Molecular consequence: nonsense.
Genome position (GRCh38, 1-based): chr1:68,444,660, G>T on the plus strand (C>A on the coding strand, the complement: RPE65 is on the minus strand). VCF-style: chr1-68444660-G-T. GRCh37 (hg19) VCF-style: chr1-68910343-G-T.
Other names: NM_000329.3(RPE65):c.366C>A; p.Tyr122Ter; c.258C>A, p.Tyr86Ter (NM_001406853.1); c.90C>A, p.Tyr30Ter (NM_001406856.1, NM_001406857.1); c.366C>A, p.Tyr122Ter (NM_001406859.1, NM_001406860.1); short protein forms Y30*, Y122*, Y86*.
Identifiers: ClinVar variation 2946266 (VCV002946266.4), dbSNP rs1479443954, ClinGen allele CA340747977.

ClinVar aggregate classification (germline): Likely pathogenic. Review status: reviewed by expert panel (3 of 4 stars). 2 submissions from 2 submitters: Likely pathogenic (1). 1 of the submissions does not count toward it. Last evaluated 2026-01-15.

Conditions:
RPE65-related recessive retinopathy. Also called: Recessive RPE65 retinopathy. Identifiers: MedGen CN305526, MONDO:0100368.
Leber congenital amaurosis 2 (LCA2). Also called: Autosomal Recessive RPE65-Related Retinal Degeneration; AMAUROSIS CONGENITA OF LEBER II. Identifiers: Orphanet 65, MedGen C1859844, MONDO:0008765, OMIM 204100. Disease mechanism: loss of function.
Retinitis pigmentosa 20 (RP20). Identifiers: Orphanet 791, MedGen C3151086, MONDO:0013425, OMIM 613794.

Submissions (2):

ClinGen Leber Congenital Amaurosis/early Onset Retinal Dystrophy Variant Curation Expert Panel, ClinGen
Classification: Likely pathogenic for RPE65-related recessive retinopathy. Last evaluated: 2026-01-15. Review status: reviewed by expert panel. Criteria: ClinGen LCAeoRD ACMG Specifications RPE65 V1.0.0. Collection method: curation. Allele origin: germline. Inheritance: Autosomal recessive inheritance.
Comment: NM_000329.3(RPE65):c.366C>A (p.Tyr122Ter) is a nonsense variant that introduces a premature stop codon into exon 5 of 14, and is predicted to lead to nonsense-mediated decay in a gene in which loss-of-function is an established mechanism of disease (PVS1). This variant is absent from gnomAD v4.1.0 (PM2_Supporting). This variant has been reported in at least 1 proband with early-onset severe retinal dystrophy who harbored the variant in the compound heterozygous state confirmed in trans with the c.137G>A p.Gly46Glu variant (VCEP-member facilitated unpublished data). However, the proband was not counted for PM3 to avoid circularity. In summary, this variant meets the criteria to be classified as Likely Pathogenic for RPE65-related recessive retinopathy based on the ACMG/AMP criteria applied, as specified by the ClinGen LCA/eoRD VCEP: PVS1, PM2_Supporting. (VCEP specifications version 1.0.0; date of approval 09/21/2023).

Labcorp Genetics (formerly Invitae), Labcorp
Classification: Pathogenic for Leber congenital amaurosis 2; Retinitis pigmentosa 20. Last evaluated: 2023-04-18. Review status: criteria provided, single submitter. Criteria: Invitae Variant Classification Sherloc (09022015). Collection method: clinical testing. Allele origin: germline. Not counted in ClinVar's aggregate classification.
Comment: For these reasons, this variant has been classified as Pathogenic. This variant has not been reported in the literature in individuals affected with RPE65-related conditions. This variant is not present in population databases (gnomAD no frequency). This sequence change creates a premature translational stop signal (p.Tyr122*) in the RPE65 gene. It is expected to result in an absent or disrupted protein product. Loss-of-function variants in RPE65 are known to be pathogenic (PMID: 9326941, 9501220, 9843205, 18632300).

Literature cited by the submitters: PubMed 9326941 (cited by Labcorp Genetics (formerly Invitae), Labcorp); PubMed 9501220 (cited by Labcorp Genetics (formerly Invitae), Labcorp); PubMed 9843205 (cited by Labcorp Genetics (formerly Invitae), Labcorp); PubMed 18632300 (cited by Labcorp Genetics (formerly Invitae), Labcorp).